The following is an entry in ClinVar:

ClinVar aggregate classification (germline): Uncertain significance (1 of 4 stars; one submission).

gnomAD v4.1: 2 of 1,614,072 alleles (0.00012%); highest among the groups gnomAD compares: African/African-American, 0.0027%; no homozygotes.

Submission:

Ambry Genetics
Classification: Uncertain significance. Last evaluated: 2022-09-17. Review status: criteria provided, single submitter. Criteria: Ambry Variant Classification Scheme 2023. Collection method: clinical testing. Allele origin: germline.
Comment: The p.L878H variant (also known as c.2633T>A), located in coding exon 16 of the POLQ gene, results from a T to A substitution at nucleotide position 2633. The leucine at codon 878 is replaced by histidine, an amino acid with similar properties. This amino acid position is conserved. In addition, the in silico prediction for this alteration is inconclusive. Since supporting evidence is limited at this time, the clinical significance of this alteration remains unclear.

NM_199420.4(POLQ):c.2633T>A (p.Leu878His)

Gene: POLQ (DNA polymerase theta; minus strand). Cytogenetic location: 3q13.33.
Variant type: single nucleotide variant.
Coding change: c.2633T>A on transcript NM_199420.4 (MANE Select); coding-DNA position 2633, T replaced by A.
Protein change: p.Leu878His; replaces leucine 878 with histidine.
Molecular consequence: missense variant.
Genome position (GRCh38, 1-based): chr3:121,490,298, A>T on the plus strand (T>A on the coding strand, the complement: POLQ is on the minus strand). VCF-style: chr3-121490298-A-T. GRCh37 (hg19) VCF-style: chr3-121209145-A-T.
Other names: short protein forms L878H.
Identifiers: ClinVar variation 1794088 (VCV001794088.2), dbSNP rs771017454, ClinGen allele CA354105496.